The following is an entry in ClinVar:

ClinVar aggregate classification (germline): Conflicting classifications of pathogenicity. Review status: criteria provided, conflicting classifications (1 of 4 stars). 5 submissions from 5 submitters: Uncertain significance (4); Likely benign (1). Last evaluated 2026-01-19.

Conditions:
Joubert syndrome. Also called: JOUBERT-BOLTSHAUSER SYNDROME; Familial aplasia of the vermis. Identifiers: Orphanet 475, MedGen C5979921, MONDO:0018772.
Inborn genetic diseases. Identifiers: MedGen C0950123, MeSH D030342.

Allele frequency attached by ClinVar (database versions not stated): gnomAD exomes 0.00006; ExAC 0.00008; gnomAD 0.00013 and 0.00014; TOPMed 0.00013.
gnomAD v4.1: 54 of 1,561,722 alleles (0.0035%); highest among the groups gnomAD compares: African/African-American, 0.035%; no homozygotes.

Submissions (5):

Labcorp Genetics (formerly Invitae), Labcorp
Classification: Likely benign for Joubert syndrome. Last evaluated: 2026-01-19. Review status: criteria provided, single submitter. Criteria: Invitae Variant Classification Sherloc (09022015). Collection method: clinical testing. Allele origin: germline.

Blueprint Genetics
Classification: Uncertain significance. Last evaluated: 2022-11-03. Review status: criteria provided, single submitter. Criteria: ACMG Guidelines, 2015. Collection method: clinical testing. Allele origin: germline.

Ambry Genetics
Classification: Uncertain significance for Inborn genetic diseases. Last evaluated: 2022-04-25. Review status: criteria provided, single submitter. Criteria: Ambry Variant Classification Scheme 2023. Collection method: clinical testing. Allele origin: germline.

GeneDx
Classification: Uncertain significance. Last evaluated: 2020-07-06. Review status: criteria provided, single submitter. Criteria: GeneDx Variant Classification Process June 2021. Collection method: clinical testing. Allele origin: germline. Affected: yes.
Comment: In silico analysis supports that this missense variant does not alter protein structure/function; Has not been previously published as pathogenic or benign to our knowledge

Genetic Services Laboratory, University of Chicago
Classification: Uncertain significance. Last evaluated: 2015-09-22. Review status: criteria provided, single submitter. Criteria: ACMG Guidelines, 2015. Collection method: clinical testing. Allele origin: germline. Affected: no.

NM_001134831.2(AHI1):c.1415G>A (p.Arg472Gln)

Gene: AHI1 (Abelson helper integration site 1; minus strand). Cytogenetic location: 6q23.3.
Variant type: single nucleotide variant.
Coding change: c.1415G>A on transcript NM_001134831.2 (MANE Select); coding-DNA position 1415, G replaced by A.
Protein change: p.Arg472Gln; replaces arginine 472 with glutamine.
Molecular consequence: missense variant.
Genome position (GRCh38, 1-based): chr6:135,453,366, C>T on the plus strand (G>A on the coding strand, the complement: AHI1 is on the minus strand). VCF-style: chr6-135453366-C-T. GRCh37 (hg19) VCF-style: chr6-135774504-C-T.
Other names: c.1415G>A, p.Arg472Gln (NM_001134830.2, NM_001134832.2, NM_001350503.2 and 2 more transcripts); short protein forms R472Q.
Identifiers: ClinVar variation 434113 (VCV000434113.23), dbSNP rs770605375, ClinGen allele CA4012599.